The following is an entry in ClinVar:

ClinVar aggregate classification (germline): Uncertain significance (1 of 4 stars; one submission).

Conditions:
Legius syndrome. Identifiers: Orphanet 137605, MedGen C1969623, MONDO:0012669, OMIM 611431. Disease mechanism: loss of function.

Allele frequency attached by ClinVar (database versions not stated): gnomAD exomes below 0.00001.
gnomAD v4.1: 2 of 1,614,032 alleles (0.00012%); highest among the groups gnomAD compares: East Asian, 0.0045%; no homozygotes.

Submission:

Labcorp Genetics (formerly Invitae), Labcorp
Classification: Uncertain significance for Legius syndrome. Last evaluated: 2024-01-22. Review status: criteria provided, single submitter. Criteria: Invitae Variant Classification Sherloc (09022015). Collection method: clinical testing. Allele origin: germline.
Comment: This sequence change replaces cysteine, which is neutral and slightly polar, with tyrosine, which is neutral and polar, at codon 55 of the SPRED1 protein (p.Cys55Tyr). This variant is not present in population databases (gnomAD no frequency). This variant has not been reported in the literature in individuals affected with SPRED1-related conditions. Advanced modeling performed at Invitae incorporating data from internal and/or published experimental studies (Invitae) indicates that this missense variant is not expected to disrupt SPRED1 function with a negative predictive value of 95%. In summary, the available evidence is currently insufficient to determine the role of this variant in disease. Therefore, it has been classified as a Variant of Uncertain Significance.

NM_152594.3(SPRED1):c.164G>A (p.Cys55Tyr)

Gene: SPRED1 (sprouty related EVH1 domain containing 1; plus strand). Cytogenetic location: 15q14.
Variant type: single nucleotide variant.
Coding change: c.164G>A on transcript NM_152594.3 (MANE Select); coding-DNA position 164, G replaced by A.
Protein change: p.Cys55Tyr; replaces cysteine 55 with tyrosine.
Molecular consequence: missense variant.
Genome position (GRCh38, 1-based): chr15:38,299,504, G>A. VCF-style: chr15-38299504-G-A. GRCh37 (hg19) VCF-style: chr15-38591705-G-A.
Other names: short protein forms C55Y.
Identifiers: ClinVar variation 2993400 (VCV002993400.3), dbSNP rs2140978515, ClinGen allele CA391934394.
Genomic context (GRCh38, chr15:38,299,504, plus strand): 5'-GAGGGAGTGGACTAAGCAGCGTCACTGTCTTCAAAGTCCCTCATCAGGAAGAGAATGGCT[G>A]TGCTGACTTTTTTATCCGTGGAGAGCGACTCAGGGACAAAATGGTAATGAATAATGTATC-3'
Protein context (NP_689807.1, residues 45-65): FKVPHQEENG[Cys55Tyr]ADFFIRGERL